The following is an entry in ClinVar:

NM_000350.3(ABCA4):c.240_241del (p.Cys81fs)

Gene: ABCA4 (ATP binding cassette subfamily A member 4; minus strand). Cytogenetic location: 1p22.1.
Variant type: Deletion.
Coding change: c.240_241del on transcript NM_000350.3 (MANE Select); coding-DNA positions 240 to 241, 2 bases deleted (CT; older notation c.240_241delCT).
Protein change: p.Cys81fs; shifts the reading frame from cysteine 81.
Molecular consequence: frameshift variant.
Genome position (GRCh38, 1-based): chr1:94,111,499-94,111,500, AG deleted on the plus strand (CT on the coding strand, the reverse complement: ABCA4 is on the minus strand). VCF-style (leftmost placement, unchanged base first): chr1-94111498-CAG-C. GRCh37 (hg19) VCF-style: chr1-94577054-CAG-C.
Other names: c.240_241delCT, p.Cys81Phefs (NM_001425324.1); short protein forms C81fs.
Identifiers: ClinVar variation 2202812 (VCV002202812.4), dbSNP rs2524007787, ClinGen allele CA645372151.

ClinVar aggregate classification (germline): Pathogenic (1 of 4 stars; one submission).

Allele frequency attached by ClinVar (database versions not stated): gnomAD exomes below 0.00001.

Submission:

Labcorp Genetics (formerly Invitae), Labcorp
Classification: Pathogenic. Last evaluated: 2023-07-17. Review status: criteria provided, single submitter. Criteria: Invitae Variant Classification Sherloc (09022015). Collection method: clinical testing. Allele origin: germline.
Comment: This sequence change creates a premature translational stop signal (p.Cys81Phefs*17) in the ABCA4 gene. It is expected to result in an absent or disrupted protein product. Loss-of-function variants in ABCA4 are known to be pathogenic (PMID: 10958761, 24938718, 25312043, 26780318). This variant is not present in population databases (gnomAD no frequency). This premature translational stop signal has been observed in individual(s) with Stargardt disease (PMID: 26161775, 32845068). ClinVar contains an entry for this variant (Variation ID: 2202812). For these reasons, this variant has been classified as Pathogenic.

Literature cited by the submitters: PubMed 10958761; PubMed 24938718; PubMed 25312043; PubMed 26780318; PubMed 26161775; PubMed 32845068.